The following is an entry in ClinVar:

ClinVar aggregate classification (germline): Conflicting classifications of pathogenicity. Review status: criteria provided, conflicting classifications (1 of 4 stars). 3 submissions from 3 submitters: Uncertain significance (2); Likely benign (1). Last evaluated 2026-01-11.

Conditions:
Inborn genetic diseases. Identifiers: MedGen C0950123, MeSH D030342.

Allele frequency attached by ClinVar (database versions not stated): gnomAD exomes 0.00003; TOPMed 0.00003; gnomAD 0.00005.
gnomAD v4.1: 45 of 1,202,887 alleles (0.0037%); highest among the groups gnomAD compares: Non-Finnish European, 0.0045%; no homozygotes.

Submissions (3):

Labcorp Genetics (formerly Invitae), Labcorp
Classification: Uncertain significance. Last evaluated: 2026-01-11. Review status: criteria provided, single submitter. Criteria: Invitae Variant Classification Sherloc (09022015). Collection method: clinical testing. Allele origin: germline.
Comment: This sequence change replaces serine, which is neutral and polar, with arginine, which is basic and polar, at codon 128 of the CLCN5 protein (p.Ser128Arg). This variant is present in population databases (rs782191345, gnomAD 0.004%). This variant has not been reported in the literature in individuals affected with CLCN5-related conditions. ClinVar contains an entry for this variant (Variation ID: 2310814). An algorithm developed to predict the effect of missense changes on protein structure and function (PolyPhen-2) suggests that this variant is likely to be tolerated. In summary, the available evidence is currently insufficient to determine the role of this variant in disease. Therefore, it has been classified as a Variant of Uncertain Significance.

CeGaT Center for Human Genetics Tuebingen
Classification: Likely benign. Last evaluated: 2024-11-01. Review status: criteria provided, single submitter. Criteria: CeGaT Center For Human Genetics Tuebingen Variant Classification Criteria Version 2. Collection method: clinical testing. Allele origin: germline. Affected: yes. Observed: 1 variant allele.
Comment: CLCN5: BS2

Ambry Genetics
Classification: Uncertain significance for Inborn genetic diseases. Last evaluated: 2021-10-26. Review status: criteria provided, single submitter. Criteria: Ambry Variant Classification Scheme 2023. Collection method: clinical testing. Allele origin: germline.

NM_001127898.4(CLCN5):c.594C>G (p.Ser198Arg)

Gene: CLCN5 (Cl-/H+ antiporter 5; plus strand). Cytogenetic location: Xp11.23.
Variant type: single nucleotide variant.
Coding change: c.594C>G on transcript NM_001127898.4 (MANE Select); coding-DNA position 594, C replaced by G.
Protein change: p.Ser198Arg; replaces serine 198 with arginine.
Molecular consequence: missense variant.
Genome position (GRCh38, 1-based): chrX:50,075,973, C>G. VCF-style: chrX-50075973-C-G. GRCh37 (hg19) VCF-style: chrX-49840628-C-G.
Other names: c.384C>G, p.Ser128Arg (NM_000084.5); c.594C>G, p.Ser198Arg (NM_001127899.4); c.444C>G, p.Ser148Arg (NM_001282163.2); short protein forms S128R, S148R, S198R.
Identifiers: ClinVar variation 2310814 (VCV002310814.19), dbSNP rs782191345, ClinGen allele CA329781877.